The following is an entry in ClinVar:

ClinVar aggregate classification (germline): Uncertain significance. Review status: criteria provided, multiple submitters, no conflicts (2 of 4 stars). 5 submissions from 5 submitters: Uncertain significance (5). Last evaluated 2025-06-10.

Conditions:
Generalized epilepsy with febrile seizures plus, type 7 (GEFSP7). Also called: GEFS+, TYPE 7. Identifiers: Orphanet 36387, MedGen C2751778, MONDO:0013470, OMIM 613863.
Neuropathy, hereditary sensory and autonomic, type 2A (HSAN2A). Also called: ACROOSTEOLYSIS, GIACCAI TYPE; ACROOSTEOLYSIS, NEUROGENIC; WNK1-Related HSAN2 (HSAN2A); HSAN IIA; MORVAN DISEASE; NEUROPATHY, CONGENITAL SENSORY. Identifiers: Orphanet 970, MedGen C2752089, MONDO:0024309, OMIM 201300.
Inborn genetic diseases. Identifiers: MedGen C0950123, MeSH D030342.

Allele frequency attached by ClinVar (database versions not stated): gnomAD 0.00001; ExAC 0.00003; gnomAD exomes 0.00005 and 0.00003; ESP Exome Variant Server 0.00016.
gnomAD v4.1: 68 of 1,613,314 alleles (0.0042%); highest among the groups gnomAD compares: Non-Finnish European, 0.0055%; no homozygotes.

Submissions (5):

Dasa
Classification: Uncertain significance. Last evaluated: 2025-06-10. Review status: criteria provided, single submitter. Criteria: DASA Assertion Criteria. Collection method: clinical testing. Allele origin: germline.
Comment: NM_001365536.1(SCN9A):c.118A>G (p.Lys40Glu) is a missense variant that results in the substitution of lysine with glutamic acid. This variant is rare in population databases. Computational prediction algorithms are consistent with a benign effect. The currently available literature and clinical evidence are not sufficient to establish a definitive association between this variant and the reported condition. Therefore, this variant is classified as a variant of uncertain significance.

Labcorp Genetics (formerly Invitae), Labcorp
Classification: Uncertain significance for Neuropathy, hereditary sensory and autonomic, type 2A; Generalized epilepsy with febrile seizures plus, type 7. Last evaluated: 2024-10-15. Review status: criteria provided, single submitter. Criteria: Invitae Variant Classification Sherloc (09022015). Collection method: clinical testing. Allele origin: germline.
Comment: This sequence change replaces lysine, which is basic and polar, with glutamic acid, which is acidic and polar, at codon 40 of the SCN9A protein (p.Lys40Glu). This variant is present in population databases (rs371565974, gnomAD 0.007%). This missense change has been observed in individual(s) with pure small fibre neuropathy (PMID: 30554136). ClinVar contains an entry for this variant (Variation ID: 576425). Invitae Evidence Modeling of protein sequence and biophysical properties (such as structural, functional, and spatial information, amino acid conservation, physicochemical variation, residue mobility, and thermodynamic stability) has been performed for this missense variant. However, the output from this modeling did not meet the statistical confidence thresholds required to predict the impact of this variant on SCN9A protein function. In summary, the available evidence is currently insufficient to determine the role of this variant in disease. Therefore, it has been classified as a Variant of Uncertain Significance.

GeneDx
Classification: Uncertain significance. Last evaluated: 2022-09-20. Review status: criteria provided, single submitter. Criteria: GeneDx Variant Classification Process June 2021. Collection method: clinical testing. Allele origin: germline. Affected: yes.
Comment: Reported previously in an individual with presumed ocular histoplasmosis syndrome (Li et al., 2021); In silico analysis supports that this missense variant does not alter protein structure/function; This variant is associated with the following publications: (PMID: 32707200)

Mayo Clinic Laboratories, Mayo Clinic
Classification: Uncertain significance. Last evaluated: 2021-05-27. Review status: criteria provided, single submitter. Criteria: ACMG Guidelines, 2015. Collection method: clinical testing. Allele origin: germline.

Ambry Genetics
Classification: Uncertain significance for Inborn genetic diseases. Last evaluated: 2019-12-27. Review status: criteria provided, single submitter. Criteria: Ambry Variant Classification Scheme 2023. Collection method: clinical testing. Allele origin: germline.
Comment: The p.K40E variant (also known as c.118A>G), located in coding exon 1 of the SCN9A gene, results from an A to G substitution at nucleotide position 118. The lysine at codon 40 is replaced by glutamic acid, an amino acid with similar properties. This amino acid position is well conserved in available vertebrate species. In addition, the in silico prediction for this alteration is inconclusive. Since supporting evidence is limited at this time, the clinical significance of this alteration remains unclear.

Literature cited by the submitters: PubMed 30554136 (cited by Labcorp Genetics (formerly Invitae), Labcorp).

NM_001365536.1(SCN9A):c.118A>G (p.Lys40Glu)

Gene: SCN9A (sodium voltage-gated channel alpha subunit 9; minus strand). Cytogenetic location: 2q24.3.
Variant type: single nucleotide variant.
Coding change: c.118A>G on transcript NM_001365536.1 (MANE Select); coding-DNA position 118, A replaced by G.
Protein change: p.Lys40Glu; replaces lysine 40 with glutamic acid.
Molecular consequence: missense variant.
Genome position (GRCh38, 1-based): chr2:166,311,639, T>C on the plus strand (A>G on the coding strand, the complement: SCN9A is on the minus strand). VCF-style: chr2-166311639-T-C. GRCh37 (hg19) VCF-style: chr2-167168149-T-C.
Other names: p.Lys40Glu; c.118A>G, p.Lys40Glu (NM_002977.4); short protein forms K40E.
Identifiers: ClinVar variation 576425 (VCV000576425.18), dbSNP rs371565974, ClinGen allele CA1944888.